The following is an entry in ClinVar:

ClinVar aggregate classification (germline): Pathogenic. Review status: criteria provided, single submitter (1 of 4 stars). 3 submissions from 3 submitters: Pathogenic (1). 2 of the submissions do not count toward it. Last evaluated 2023-09-09.

Allele frequency attached by ClinVar (database versions not stated): gnomAD exomes below 0.00001 and 0.00001; ExAC 0.00001.

Submissions (3):

Labcorp Genetics (formerly Invitae), Labcorp
Classification: Pathogenic. Last evaluated: 2023-09-09. Review status: criteria provided, single submitter. Criteria: Invitae Variant Classification Sherloc (09022015). Collection method: clinical testing. Allele origin: germline.
Comment: This sequence change creates a premature translational stop signal (p.Gln752*) in the ADAMTSL4 gene. It is expected to result in an absent or disrupted protein product. Loss-of-function variants in ADAMTSL4 are known to be pathogenic (PMID: 20564469, 28642162). For these reasons, this variant has been classified as Pathogenic. Algorithms developed to predict the effect of sequence changes on RNA splicing suggest that this variant may create or strengthen a splice site. ClinVar contains an entry for this variant (Variation ID: 1209964). This premature translational stop signal has been observed in individual(s) with autosomal recessive ectopia lentis (PMID: 28642162). This variant is present in population databases (rs778345588, gnomAD 0.003%).

Clinical Genetics DNA and cytogenetics Diagnostics Lab, Erasmus MC, Erasmus Medical Center
Classification: Pathogenic. Review status: no assertion criteria provided. Collection method: clinical testing. Allele origin: germline. Affected: yes. Study: VKGL Data-share Consensus. Not counted in ClinVar's aggregate classification.

Genome Diagnostics Laboratory, Amsterdam University Medical Center
Classification: Pathogenic. Review status: no assertion criteria provided. Collection method: clinical testing. Allele origin: germline. Affected: yes. Study: VKGL Data-share Consensus. Not counted in ClinVar's aggregate classification.

Literature cited by the submitters: PubMed 20564469 (cited by Labcorp Genetics (formerly Invitae), Labcorp); PubMed 28642162 (cited by Labcorp Genetics (formerly Invitae), Labcorp).

NM_019032.6(ADAMTSL4):c.2254C>T (p.Gln752Ter)

Gene: ADAMTSL4 (ADAMTS like 4; plus strand). Cytogenetic location: 1q21.2.
Variant type: single nucleotide variant.
Coding change: c.2254C>T on transcript NM_019032.6 (MANE Select); coding-DNA position 2254, C replaced by T.
Protein change: p.Gln752Ter; replaces glutamine 752 with a stop codon.
Molecular consequence: nonsense.
Genome position (GRCh38, 1-based): chr1:150,558,021, C>T. VCF-style: chr1-150558021-C-T. GRCh37 (hg19) VCF-style: chr1-150530497-C-T.
Other names: c.2137C>T, p.Gln713Ter (NM_001288607.2); c.2323C>T, p.Gln775Ter (NM_001288608.2); c.2254C>T, p.Gln752Ter (NM_001378596.1, NM_025008.5); short protein forms Q713*, Q752*, Q775*.
Identifiers: ClinVar variation 1209964 (VCV001209964.5), dbSNP rs778345588, ClinGen allele CA1078597.